The following is an entry in ClinVar:

NM_199069.2(NDUFAF3):c.334A>T (p.Ile112Leu)

Gene: NDUFAF3 (NADH:ubiquinone oxidoreductase complex assembly factor 3; plus strand). Cytogenetic location: 3p21.31.
Variant type: single nucleotide variant.
Coding change: c.334A>T on transcript NM_199069.2 (MANE Select); coding-DNA position 334, A replaced by T.
Protein change: p.Ile112Leu; replaces isoleucine 112 with leucine.
Molecular consequence: missense variant.
Genome position (GRCh38, 1-based): chr3:49,022,765, A>T. VCF-style: chr3-49022765-A-T. GRCh37 (hg19) VCF-style: chr3-49060198-A-T.
Other names: c.163A>T, p.Ile55Leu (NM_199070.2, NM_199073.2, NM_199074.2); short protein forms I112L, I55L.
Identifiers: ClinVar variation 1704902 (VCV001704902.2), dbSNP rs775271762, ClinGen allele CA2390259.

ClinVar aggregate classification (germline): Uncertain significance (1 of 4 stars; one submission).

Allele frequency attached by ClinVar (database versions not stated): gnomAD exomes 0.00001; ExAC 0.00002.
gnomAD v4.1: 10 of 1,613,874 alleles (0.00062%); highest among the groups gnomAD compares: South Asian, 0.0088%; no homozygotes.

Submission:

GeneDx
Classification: Uncertain significance. Last evaluated: 2022-03-10. Review status: criteria provided, single submitter. Criteria: GeneDx Variant Classification Process June 2021. Collection method: clinical testing. Allele origin: germline. Affected: yes.
Comment: Not observed at significant frequency in large population cohorts (gnomAD); In silico analysis supports a deleterious effect on splicing; In silico analysis supports that this missense variant does not alter protein structure/function; Has not been previously published as pathogenic or benign to our knowledge